The following is an entry in ClinVar:

NM_053025.4(MYLK):c.4519C>T (p.Arg1507Trp)

Gene: MYLK (myosin light chain kinase; minus strand). Cytogenetic location: 3q21.1.
Variant type: single nucleotide variant.
Coding change: c.4519C>T on transcript NM_053025.4 (MANE Select); coding-DNA position 4519, C replaced by T.
Protein change: p.Arg1507Trp; replaces arginine 1507 with tryptophan.
Molecular consequence: missense variant.
Genome position (GRCh38, 1-based): chr3:123,647,324, G>A on the plus strand (C>T on the coding strand, the complement: MYLK is on the minus strand). VCF-style: chr3-123647324-G-A. GRCh37 (hg19) VCF-style: chr3-123366171-G-A.
Other names: c.4519C>T (NM_053025.3); c.3991C>T, p.Arg1331Trp (NM_001321309.2); c.4312C>T, p.Arg1438Trp (NM_053026.4, NM_053028.4); c.4519C>T, p.Arg1507Trp (NM_053027.4); short protein forms R1331W, R1438W, R1507W.
Identifiers: ClinVar variation 1024632 (VCV001024632.11), dbSNP rs142010566, ClinGen allele CA071795.
Genomic context (GRCh38, chr3:123,647,324, plus strand): 5'-CATCCACACACTGGACCAGCTTAGGGTGGTGGAGGCAGTTCATGATGCTAATCTCCTGCC[G>A]GATATTCTCTTTCTCTTTTGCTGAATATGCCTTGAAGAACTTCCCTGCCCAGACTTTTCG-3'
Protein context (NP_444253.3, residues 1497-1517): AYSAKEKENI[Arg1507Trp]QEISIMNCLH

ClinVar aggregate classification (germline): Uncertain significance. Review status: criteria provided, multiple submitters, no conflicts (2 of 4 stars). 4 submissions from 4 submitters: Uncertain significance (4). Last evaluated 2025-06-20.

Conditions:
Aortic aneurysm, familial thoracic 7 (AAT7). Also called: AORTIC DISSECTION, FAMILIAL, WITH OR WITHOUT AORTIC ANEURYSM. Identifiers: MedGen C3151077, MONDO:0013418, OMIM 613780.

Allele frequency attached by ClinVar (database versions not stated): gnomAD exomes below 0.00001 and 0.00001; TOPMed 0.00001; ExAC 0.00002; gnomAD 0.00002 and 0.00003; 1000 Genomes Project 30x 0.00016; 1000 Genomes Project 0.00020.
gnomAD v4.1: 15 of 1,614,136 alleles (0.00093%); highest among the groups gnomAD compares: African/African-American, 0.0027%; no homozygotes.

Submissions (4):

Women's Health and Genetics/Laboratory Corporation of America, LabCorp
Classification: Uncertain significance. Last evaluated: 2025-06-20. Review status: criteria provided, single submitter. Criteria: LabCorp Variant Classification Summary - May 2015. Collection method: clinical testing. Allele origin: germline.

Blueprint Genetics
Classification: Uncertain significance. Last evaluated: 2024-01-24. Review status: criteria provided, single submitter. Criteria: ACMG Guidelines, 2015. Collection method: clinical testing. Allele origin: germline.

GeneDx
Classification: Uncertain significance. Last evaluated: 2024-01-04. Review status: criteria provided, single submitter. Criteria: GeneDx Variant Classification Process June 2021. Collection method: clinical testing. Allele origin: germline. Affected: yes.
Comment: Not observed at significant frequency in large population cohorts (gnomAD); In silico analysis supports that this missense variant has a deleterious effect on protein structure/function; Has not been previously published as pathogenic or benign to our knowledge

Labcorp Genetics (formerly Invitae), Labcorp
Classification: Uncertain significance for Aortic aneurysm, familial thoracic 7. Last evaluated: 2023-01-15. Review status: criteria provided, single submitter. Criteria: Invitae Variant Classification Sherloc (09022015). Collection method: clinical testing. Allele origin: germline.
Comment: In summary, the available evidence is currently insufficient to determine the role of this variant in disease. Therefore, it has been classified as a Variant of Uncertain Significance. This sequence change replaces arginine, which is basic and polar, with tryptophan, which is neutral and slightly polar, at codon 1507 of the MYLK protein (p.Arg1507Trp). This variant is present in population databases (rs142010566, gnomAD 0.005%). This variant has not been reported in the literature in individuals affected with MYLK-related conditions. ClinVar contains an entry for this variant (Variation ID: 1024632). Advanced modeling of protein sequence and biophysical properties (such as structural, functional, and spatial information, amino acid conservation, physicochemical variation, residue mobility, and thermodynamic stability) performed at Invitae indicates that this missense variant is not expected to disrupt MYLK protein function.